The following is an entry in ClinVar:

ClinVar aggregate classification (germline): Uncertain significance. Review status: criteria provided, multiple submitters, no conflicts (2 of 4 stars). 3 submissions from 3 submitters: Uncertain significance (3). Last evaluated 2023-11-27.

Conditions:
Urofacial syndrome type 1. Also called: HPSE2-Related Urofacial Syndrome. Identifiers: Orphanet 2704, MedGen CN033872, MONDO:0009368, OMIM 236730.
Inborn genetic diseases. Identifiers: MedGen C0950123, MeSH D030342.

Allele frequency attached by ClinVar (database versions not stated): gnomAD 0.00001; ExAC 0.00002; gnomAD exomes 0.00003; TOPMed 0.00004; ESP Exome Variant Server 0.00008.
gnomAD v4.1: 45 of 1,613,196 alleles (0.0028%); highest among the groups gnomAD compares: African/African-American, 0.008%; no homozygotes.

Submissions (3):

Ambry Genetics
Classification: Uncertain significance for Inborn genetic diseases. Last evaluated: 2023-11-27. Review status: criteria provided, single submitter. Criteria: Ambry Variant Classification Scheme 2023. Collection method: clinical testing. Allele origin: germline.

Fulgent Genetics
Classification: Uncertain significance for Urofacial syndrome type 1. Last evaluated: 2022-03-11. Review status: criteria provided, single submitter. Criteria: ACMG Guidelines, 2015. Collection method: clinical testing. Allele origin: unknown.

Labcorp Genetics (formerly Invitae), Labcorp
Classification: Uncertain significance. Last evaluated: 2021-10-24. Review status: criteria provided, single submitter. Criteria: Invitae Variant Classification Sherloc (09022015). Collection method: clinical testing. Allele origin: germline.
Comment: This variant is present in population databases (rs376543806, ExAC 0.005%). In summary, the available evidence is currently insufficient to determine the role of this variant in disease. Therefore, it has been classified as a Variant of Uncertain Significance. Algorithms developed to predict the effect of sequence changes on RNA splicing suggest that this variant may create or strengthen a splice site. Algorithms developed to predict the effect of missense changes on protein structure and function are either unavailable or do not agree on the potential impact of this missense change (SIFT: "Tolerated"; PolyPhen-2: "Possibly Damaging"; Align-GVGD: "Class C0"). This variant has not been reported in the literature in individuals affected with HPSE2-related conditions. This sequence change replaces arginine with glutamine at codon 272 of the HPSE2 protein (p.Arg272Gln). The arginine residue is highly conserved and there is a small physicochemical difference between arginine and glutamine.

NM_021828.5(HPSE2):c.815G>A (p.Arg272Gln)

Gene: HPSE2 (heparanase 2 (inactive); minus strand). Cytogenetic location: 10q24.2.
Variant type: single nucleotide variant.
Coding change: c.815G>A on transcript NM_021828.5 (MANE Select); coding-DNA position 815, G replaced by A.
Protein change: p.Arg272Gln; replaces arginine 272 with glutamine.
Molecular consequence: missense variant.
Genome position (GRCh38, 1-based): chr10:98,721,798, C>T on the plus strand (G>A on the coding strand, the complement: HPSE2 is on the minus strand). VCF-style: chr10-98721798-C-T. GRCh37 (hg19) VCF-style: chr10-100481555-C-T.
Other names: c.815G>A (NM_021828.4); c.641G>A, p.Arg214Gln (NM_001166244.1); c.479G>A, p.Arg160Gln (NM_001166245.1); c.815G>A, p.Arg272Gln (NM_001166246.1); short protein forms R272Q, R160Q, R214Q.
Identifiers: ClinVar variation 1507141 (VCV001507141.8), dbSNP rs376543806, ClinGen allele CA5639898.